The following is an entry in ClinVar:

NM_000094.4(COL7A1):c.184G>C (p.Glu62Gln)

Gene: COL7A1 (collagen type VII alpha 1 chain; minus strand). Cytogenetic location: 3p21.31.
Variant type: single nucleotide variant.
Coding change: c.184G>C on transcript NM_000094.4 (MANE Select); coding-DNA position 184, G replaced by C.
Protein change: p.Glu62Gln; replaces glutamic acid 62 with glutamine.
Molecular consequence: missense variant.
Genome position (GRCh38, 1-based): chr3:48,594,450, C>G on the plus strand (G>C on the coding strand, the complement: COL7A1 is on the minus strand). VCF-style: chr3-48594450-C-G. GRCh37 (hg19) VCF-style: chr3-48631883-C-G.
Other names: short protein forms E62Q.
Identifiers: ClinVar variation 3699679 (VCV003699679.2).

ClinVar aggregate classification (germline): Uncertain significance (1 of 4 stars; one submission).

gnomAD v4.1: 10 of 1,612,268 alleles (0.00062%); highest among the groups gnomAD compares: Non-Finnish European, 0.00085%; no homozygotes.

Submission:

Labcorp Genetics (formerly Invitae), Labcorp
Classification: Uncertain significance. Last evaluated: 2024-07-15. Review status: criteria provided, single submitter. Criteria: Invitae Variant Classification Sherloc (09022015). Collection method: clinical testing. Allele origin: germline.
Comment: This sequence change replaces glutamic acid, which is acidic and polar, with glutamine, which is neutral and polar, at codon 62 of the COL7A1 protein (p.Glu62Gln). This variant is not present in population databases (gnomAD no frequency). This variant has not been reported in the literature in individuals affected with COL7A1-related conditions. Advanced modeling of protein sequence and biophysical properties (such as structural, functional, and spatial information, amino acid conservation, physicochemical variation, residue mobility, and thermodynamic stability) performed at Invitae indicates that this missense variant is not expected to disrupt COL7A1 protein function with a negative predictive value of 95%. In summary, the available evidence is currently insufficient to determine the role of this variant in disease. Therefore, it has been classified as a Variant of Uncertain Significance.